The following is an entry in ClinVar:

Conditions:
Breast-ovarian cancer, familial, susceptibility to, 1 (BROVCA1). Also called: BRCA1 Hereditary Breast and Ovarian Cancer; OVARIAN CANCER, SUSCEPTIBILITY TO. Identifiers: Orphanet 145, MedGen C2676676, MONDO:0011450, OMIM 604370. Disease mechanism: loss of function.

Submission:

Brotman Baty Institute, University of Washington
No classification provided (evidence only). Condition: Breast-ovarian cancer, familial 1. Review status: no classification provided. Collection method: in vitro. Allele origin: not applicable. Functional consequence: functionally_normal.
ClinVar note: "not provided" was previously submitted as the classification for the variant. However, the classification appeared to be based only on an observation of functional data so it was converted to no classification on 2025-07-30.

NM_007294.4(BRCA1):c.5267A>C (p.Gln1756Pro)

Gene: BRCA1 (BRCA1 DNA repair associated; minus strand). Cytogenetic location: 17q21.31.
Variant type: single nucleotide variant.
Coding change: c.5267A>C on transcript NM_007294.4 (MANE Select); coding-DNA position 5267, A replaced by C.
Protein change: p.Gln1756Pro; replaces glutamine 1756 with proline.
Molecular consequence: missense variant. On other transcripts: non-coding transcript variant (1).
Genome position (GRCh38, 1-based): chr17:43,057,062, T>G on the plus strand (A>C on the coding strand, the complement: BRCA1 is on the minus strand). VCF-style: chr17-43057062-T-G. GRCh37 (hg19) VCF-style: chr17-41209079-T-G.
Other names: c.5054A>C, p.Gln1685Pro (NM_001407571.1, NM_001407900.1, NM_001407902.1 and 12 more transcripts); c.5333A>C, p.Gln1778Pro (NM_001407581.1, NM_001407582.1); c.5330A>C, p.Gln1777Pro (NM_001407583.1, NM_001407585.1, NM_001407587.1 and 1 more transcripts); c.5264A>C, p.Gln1755Pro (NM_001407610.1, NM_001407611.1, NM_001407612.1 and 17 more transcripts); c.5261A>C, p.Gln1754Pro (NM_001407629.1, NM_001407630.1, NM_001407631.1 and 14 more transcripts); c.5207A>C, p.Gln1736Pro (NM_001407649.1); c.5189A>C, p.Gln1730Pro (NM_001407652.1, NM_001407653.1, NM_001407654.1 and 1 more transcripts); c.5186A>C, p.Gln1729Pro (NM_001407656.1, NM_001407657.1, NM_001407658.1); and 72 more; short protein forms Q1777P, Q1709P, Q1756P, Q652P, Q1460P, Q1667P, Q1668P, Q1685P.
Identifiers: ClinVar variation 868241 (VCV000868241.3), dbSNP rs1567764257, ClinGen allele CA10591022.